The following is an entry in ClinVar:

ClinVar aggregate classification (germline): Likely pathogenic. Review status: reviewed by expert panel (3 of 4 stars). 2 submissions from 2 submitters: Likely pathogenic (1). 1 of the submissions does not count toward it. Last evaluated 2025-04-11.

Conditions:
Arginine:glycine amidinotransferase deficiency (CCDS3). Also called: L-Arginine:Glycine Amidinotransferase (AGAT) Deficiency; Creatine deficiency syndrome due to AGAT deficiency; GATM deficiency; Cerebral creatine deficiency syndrome 3; AGAT deficiency; L-Arginine:Glycine Amidinotransferase Deficiency. Identifiers: Orphanet 35704, MedGen C2675179, MONDO:0012996, OMIM 612718.

gnomAD v4.1: 1 of 1,614,056 alleles (0.000062%); no homozygotes.

Submissions (2):

ClinGen Cerebral Creatine Deficiency Syndromes Variant Curation Expert Panel, ClinGen
Classification: Likely pathogenic for Arginine:glycine amidinotransferase deficiency. Last evaluated: 2025-04-11. Review status: reviewed by expert panel. Criteria: ClinGen CCDS ACMG Specifications GATM V2.0.0. Collection method: curation. Allele origin: germline. Inheritance: Autosomal recessive inheritance.
Comment: The NM_001482.3:c.553G>C variant in GATM is a missense variant that is predicted to result in the substitution of alanine by proline at amino acid 185 (p.Ala185Pro). One patient, with one episode of seizure, myopathy, intellectual disability, and abnormal EMG, has been reported with absent creatine on brain MRS, as well as low urine guanidinoacetate, and low plasma guanidinoacetate with low plasma creatine (PMID: 26490222) (PP4_Strong). This individual is homozygous for the variant (PM3_Supporting). The highest population minor allele frequency in gnomAD v4.1.0 is 0.00001562 (1/64012 alleles) in the Finnish population, which is lower than the ClinGen CCDS VCEP’s threshold for PM2_Supporting (<0.000055), meeting this criterion. This allele is the only allele in gnomAD v4.1.0. (PM2_Supporting). When overexpressed in HeLa cells, the variant resulted in <15% wild-type enzyme activity (PMID: 27233232) (PS3_Supporting). The computational predictor REVEL gives a score of 0.528 which is neither above nor below the thresholds predicting a damaging (>0.644) or benign (<0.29) impact on AGAT function. SpliceAI predicts that the variant has no impact on splicing. In summary, this variant meets the criteria to be classified as likely pathogenic for AGAT deficiency. GATM-specific ACMG/AMP criteria applied, as specified by the ClinGen CCDS VCEP (Specifications Version 2.0.0): PP4_Strong, PS3_Supporting, PM3_Supporting, PM2_Supporting. (Classification approved by the ClinGen CCDS VCEP on April 11, 2025).

Labcorp Genetics (formerly Invitae), Labcorp
Classification: Uncertain significance for Arginine:glycine amidinotransferase deficiency. Last evaluated: 2021-01-19. Review status: criteria provided, single submitter. Criteria: Invitae Variant Classification Sherloc (09022015). Collection method: clinical testing. Allele origin: germline. Not counted in ClinVar's aggregate classification.
Comment: This sequence change replaces alanine with proline at codon 185 of the GATM protein (p.Ala185Pro). The alanine residue is highly conserved and there is a small physicochemical difference between alanine and proline. This variant is not present in population databases (ExAC no frequency). This variant has been observed in individual(s) with autosomal recessive arginine:glycine amidinotransferase (AGAT) deficiency (PMID: 26490222). Experimental studies have shown that this variant affects GATM protein function (PMID: 27233232). In summary, the available evidence is currently insufficient to determine the role of this variant in disease. Therefore, it has been classified as a Variant of Uncertain Significance.

Literature cited by the submitters: PubMed 27233232 (cited by ClinGen Cerebral Creatine Deficiency Syndromes Variant Curation Expert Panel, ClinGen and Labcorp Genetics (formerly Invitae), Labcorp); PubMed 26490222 (cited by Labcorp Genetics (formerly Invitae), Labcorp).

NM_001482.3(GATM):c.553G>C (p.Ala185Pro)

Gene: GATM (glycine amidinotransferase; minus strand). Cytogenetic location: 15q21.1.
Variant type: single nucleotide variant.
Coding change: c.553G>C on transcript NM_001482.3 (MANE Select); coding-DNA position 553, G replaced by C.
Protein change: p.Ala185Pro; replaces alanine 185 with proline.
Molecular consequence: missense variant.
Genome position (GRCh38, 1-based): chr15:45,368,192, C>G on the plus strand (G>C on the coding strand, the complement: GATM is on the minus strand). VCF-style: chr15-45368192-C-G. GRCh37 (hg19) VCF-style: chr15-45660390-C-G.
Other names: NM_001321015.2:c.166G>C; c.166G>C, p.Ala56Pro (NM_001321015.2); short protein forms A185P, A56P.
Identifiers: ClinVar variation 1478699 (VCV001478699.9), dbSNP rs2140644920, ClinGen allele CA392261143.